The following is an entry in ClinVar:

ClinVar aggregate classification (germline): Uncertain significance. Review status: criteria provided, single submitter (1 of 4 stars). 2 submissions from 2 submitters: Uncertain significance (1). 1 of the submissions does not count toward it. Last evaluated 2025-01-02.

Conditions:
Charcot-Marie-Tooth disease axonal type 2F (CMT2F). Also called: CHARCOT-MARIE-TOOTH DISEASE, NEURONAL, TYPE 2F; Charcot-Marie-Tooth Neuropathy Type 2F. Identifiers: Orphanet 99940, MedGen C1847823, MONDO:0011687, OMIM 606595.

Submissions (2):

Labcorp Genetics (formerly Invitae), Labcorp
Classification: Uncertain significance for Charcot-Marie-Tooth disease axonal type 2F. Last evaluated: 2025-01-02. Review status: criteria provided, single submitter. Criteria: Invitae Variant Classification Sherloc (09022015). Collection method: clinical testing. Allele origin: germline.
Comment: This variant, c.376_378del, results in the deletion of 1 amino acid(s) of the HSPB1 protein (p.Glu126del), but otherwise preserves the integrity of the reading frame. This variant is not present in population databases (gnomAD no frequency). This variant has not been reported in the literature in individuals affected with HSPB1-related conditions. ClinVar contains an entry for this variant (Variation ID: 465274). Experimental studies and prediction algorithms are not available or were not evaluated, and the functional significance of this variant is currently unknown. In summary, the available evidence is currently insufficient to determine the role of this variant in disease. Therefore, it has been classified as a Variant of Uncertain Significance.

Inherited Neuropathy Consortium
Classification: Uncertain significance. Review status: no assertion criteria provided. Collection method: provider interpretation. Allele origin: inherited. Affected: yes. Not counted in ClinVar's aggregate classification.

NM_001540.5(HSPB1):c.373GAG[1] (p.Glu126del)

Gene: HSPB1 (heat shock protein family B (small) member 1; plus strand). Cytogenetic location: 7q11.23.
Variant type: Microsatellite.
Coding change: c.373GAG[1] on transcript NM_001540.5 (MANE Select); one copy of the 3-base unit GAG starting at c.373; the reference has two copies in a row; one copy, 3 bases deleted; also written c.376_378del.
Protein change: p.Glu126del; deletes glutamic acid 126.
Molecular consequence: inframe deletion.
Genome position (GRCh38, 1-based): chr7:76,303,813-76,303,815, GAG deleted; deleting any 3 consecutive bases within chr7:76,303,810-76,303,815 gives the same sequence; the position shown is the placement nearest the transcript's 3' end. VCF-style (leftmost placement, unchanged base first): chr7-76303809-CGAG-C. GRCh37 (hg19) VCF-style: chr7-75933126-CGAG-C.
Other names: c.376_378del (NM_001540.3); short protein forms E126del.
Identifiers: ClinVar variation 465274 (VCV000465274.12), dbSNP rs1554614633, ClinGen allele CA658657677.
Genomic context (GRCh38, chr7:76,303,809, plus strand): 5'-GGCCGAAAGGCAGTCCCCTCCCCCGCAGTCTGATTTCCCTCTTCCCCCCAAAGGCAAGCA[CGAG>C]GAGCGGCAGGACGAGCATGGCTACATCTCCCGGTGCTTCACGCGGAAATACACGTGAGTC-3'